The following is an entry in ClinVar:

NM_001035.3(RYR2):c.9911A>G (p.Gln3304Arg)

Gene: RYR2 (ryanodine receptor 2; plus strand). Cytogenetic location: 1q43.
Variant type: single nucleotide variant.
Coding change: c.9911A>G on transcript NM_001035.3 (MANE Select); coding-DNA position 9911, A replaced by G.
Protein change: p.Gln3304Arg; replaces glutamine 3304 with arginine.
Molecular consequence: missense variant.
Genome position (GRCh38, 1-based): chr1:237,708,867, A>G. VCF-style: chr1-237708867-A-G. GRCh37 (hg19) VCF-style: chr1-237872167-A-G.
Other names: p.Q3304R:CAG>CGG; c.9911A>G, p.Gln3304Arg (LRG_402t1); short protein forms Q3304R.
Identifiers: ClinVar variation 201298 (VCV000201298.12), dbSNP rs794728766, ClinGen allele CA011364.

ClinVar aggregate classification (germline): Uncertain significance. Review status: criteria provided, multiple submitters, no conflicts (2 of 4 stars). 5 submissions from 5 submitters: Uncertain significance (5). Last evaluated 2025-04-28.

Conditions:
Arrhythmogenic right ventricular dysplasia 2. Identifiers: MedGen C1832931.
Catecholaminergic polymorphic ventricular tachycardia 1. Also called: RYR2-Related Catecholaminergic Polymorphic Ventricular Tachycardia; VENTRICULAR TACHYCARDIA, CATECHOLAMINERGIC POLYMORPHIC, 1, WITH OR WITHOUT ATRIAL DYSFUNCTION AND/OR DILATED CARDIOMYOPATHY; VENTRICULAR TACHYCARDIA, STRESS-INDUCED POLYMORPHIC 1. Identifiers: Orphanet 3286, MedGen C1631597, MONDO:0011484, OMIM 604772.
Ventricular arrhythmias due to cardiac ryanodine receptor calcium release deficiency syndrome. Also called: Autosomal dominant cardiac arrhythmia (Kuhn). Identifiers: MedGen C5542154, MONDO:0020745, OMIM 115000.
Catecholaminergic polymorphic ventricular tachycardia (CVPT). Also called: Catecholamine-induced polymorphic ventricular tachycardia. Identifiers: Orphanet 3286, MedGen C5574922, MONDO:0017990.
Cardiomyopathy (CMYO). Also called: Cardiomyopathies. Identifiers: Orphanet 167848, MedGen C0878544, MONDO:0004994, HP:0001638. Inheritance: Various modes of inheritance.

Allele frequency attached by ClinVar (database versions not stated): gnomAD exomes below 0.00001; gnomAD 0.00001; TOPMed 0.00001.
gnomAD v4.1: 4 of 1,609,588 alleles (0.00025%); highest among the groups gnomAD compares: Admixed American, 0.0017%; no homozygotes.

Submissions (5):

Labcorp Genetics (formerly Invitae), Labcorp
Classification: Uncertain significance for Catecholaminergic polymorphic ventricular tachycardia 1. Last evaluated: 2025-04-28. Review status: criteria provided, single submitter. Criteria: Invitae Variant Classification Sherloc (09022015). Collection method: clinical testing. Allele origin: germline.
Comment: This sequence change replaces glutamine, which is neutral and polar, with arginine, which is basic and polar, at codon 3304 of the RYR2 protein (p.Gln3304Arg). This variant is not present in population databases (gnomAD no frequency). This variant has not been reported in the literature in individuals affected with RYR2-related conditions. ClinVar contains an entry for this variant (Variation ID: 201298). Invitae Evidence Modeling of protein sequence and biophysical properties (such as structural, functional, and spatial information, amino acid conservation, physicochemical variation, residue mobility, and thermodynamic stability) has been performed for this missense variant. However, the output from this modeling did not meet the statistical confidence thresholds required to predict the impact of this variant on RYR2 protein function. In summary, the available evidence is currently insufficient to determine the role of this variant in disease. Therefore, it has been classified as a Variant of Uncertain Significance.

All of Us Research Program, National Institutes of Health
Classification: Uncertain significance for Catecholaminergic polymorphic ventricular tachycardia. Last evaluated: 2024-08-23. Review status: criteria provided, single submitter. Criteria: ACMG Guidelines, 2015. Collection method: clinical testing. Allele origin: germline. Inheritance: Autosomal dominant inheritance. Observed: 4 variant alleles, 4 heterozygotes.
Comment: This missense variant replaces glutamine with arginine at codon 3304 of the RYR2 protein. Computational prediction tools and conservation analyses are inconclusive regarding the impact of this variant on the protein function. Computational splicing tools suggest that this variant may not impact RNA splicing. To our knowledge, functional assays have not been performed for this variant nor has this variant been reported in individuals affected with cardiovascular disorders in the literature. This variant has not been identified in the general population by the Genome Aggregation Database (gnomAD). Available evidence is insufficient to determine the role of this variant in disease conclusively. Therefore, this variant is classified as a Variant of Uncertain Significance.

This study involves interpretation of variants in research participants for the purpose of population health screening. Participant phenotype was not available at the time of variant classification. Additional details can be found in publication PMID: 35346344, PMCID: PMC8962531

Color Diagnostics, LLC DBA Color Health
Classification: Uncertain significance for Cardiomyopathy. Last evaluated: 2024-03-06. Review status: criteria provided, single submitter. Criteria: ACMG Guidelines, 2015. Collection method: clinical testing. Allele origin: germline.
Comment: This missense variant replaces glutamine with arginine at codon 3304 of the RYR2 protein. Computational prediction suggests that this variant may have deleterious impact on protein structure and function (internally defined REVEL score threshold >= 0.7, PMID: 27666373). To our knowledge, functional studies have not been reported for this variant. This variant has not been reported in individuals affected with RYR2-related disorders in the literature. This variant has not been identified in the general population by the Genome Aggregation Database (gnomAD). The available evidence is insufficient to determine the role of this variant in disease conclusively. Therefore, this variant is classified as a Variant of Uncertain Significance.

Fulgent Genetics
Classification: Uncertain significance for Ventricular arrhythmias due to cardiac ryanodine receptor calcium release deficiency syndrome; Catecholaminergic polymorphic ventricular tachycardia 1. Last evaluated: 2021-08-02. Review status: criteria provided, single submitter. Criteria: ACMG Guidelines, 2015. Collection method: clinical testing. Allele origin: unknown.

GeneDx
Classification: Uncertain significance. Last evaluated: 2019-09-04. Review status: criteria provided, single submitter. Criteria: GeneDx Variant Classification Process June 2021. Collection method: clinical testing. Allele origin: germline. Affected: yes.
Comment: Has not been previously published as pathogenic or benign to our knowledge; Not observed in large population cohorts (Lek et al., 2016); In silico analysis, which includes protein predictors and evolutionary conservation, supports a deleterious effect; Not located in one of the three hot-spot regions of the RYR2 gene, where the majority of pathogenic missense variants occur (Medeiros-Domingo et al., 2009)